The following is an entry in ClinVar:

ClinVar aggregate classification (germline): Uncertain significance (1 of 4 stars; one submission).

Conditions:
Hereditary diffuse gastric adenocarcinoma (HDGC). Also called: DIFFUSE GASTRIC AND LOBULAR BREAST CANCER SYNDROME. Identifiers: Orphanet 26106, MedGen C1708349, MONDO:0007648, OMIM 137215.

Allele frequency attached by ClinVar (database versions not stated): gnomAD 0.00005; TOPMed 0.00007.
gnomAD v4.1: 106 of 1,094,924 alleles (0.0097%); highest among the groups gnomAD compares: Non-Finnish European, 0.013%; no homozygotes.

Submission:

European Reference Network on Genetic Tumour Risk Syndromes (ERN-GENTURIS), i3s - Instituto de Investigação e Inovação em Saúde, University of Porto
Classification: Uncertain significance for Hereditary diffuse gastric adenocarcinoma. Last evaluated: 2022-08-01. Review status: criteria provided, single submitter. Criteria: Lee et al. (Hum Mutat. 2018). Collection method: clinical testing. Allele origin: germline. Inheritance: Autosomal dominant inheritance. Affected: no. Study: ERN GENTURIS.
Comment: PM2; BS2_Supporting (PMID: 30311375)

Literature cited by the submitters: PubMed 36436516.

NM_004360.5(CDH1):c.1321-140T>C

Gene: CDH1 (cadherin 1; plus strand). Cytogenetic location: 16q22.1.
Variant type: single nucleotide variant.
Coding change: c.1321-140T>C on transcript NM_004360.5 (MANE Select); 140 bases into the intron before coding-DNA position 1321, T replaced by C.
Molecular consequence: intron variant.
Genome position (GRCh38, 1-based): chr16:68,815,375, T>C. VCF-style: chr16-68815375-T-C. GRCh37 (hg19) VCF-style: chr16-68849278-T-C.
Other names: c.-228-140T>C (NM_001317185.2); c.-499-140T>C (NM_001317186.2); c.1138-140T>C (NM_001317184.2).
Identifiers: ClinVar variation 2502950 (VCV002502950.1), dbSNP rs969247115, ClinGen allele CA283308105.